The following is an entry in ClinVar:

ClinVar aggregate classification (germline): Conflicting classifications of pathogenicity. Review status: criteria provided, conflicting classifications (1 of 4 stars). 17 submissions from 16 submitters: Uncertain significance (1); Benign (3); Likely benign (9). 4 of the submissions do not count toward it. Last evaluated 2026-09-01.

Conditions:
RYR1-related disorder. Also called: RYR1-related condition; RYR1-related disorders. Identifiers: MedGen CN239331.
Congenital multicore myopathy with external ophthalmoplegia (CMYO1B). Also called: Congenital myopathy 1B, autosomal recessive; Minicore myopathy; MULTICORE MYOPATHY; Minicore myopathy with external ophthalmoplegia; MULTIMINICORE DISEASE WITH EXTERNAL OPHTHALMOPLEGIA. Identifiers: Orphanet 598, Orphanet 98905, MedGen C1850674, MONDO:0009712, OMIM 255320, HP:0003789.
Malignant hyperthermia, susceptibility to, 1 (MHS1). Also called: Anesthesia related hyperthermia; Malignant hyperpyrexia; Fulminating hyperpyrexia; Pharmacogenic myopathy; RYR1-Related Malignant Hyperthermia Susceptibility; Malignant hyperthermia suceptibility 1. Identifiers: Orphanet 423, MedGen C2930980, MONDO:0007783, OMIM 145600.

Allele frequency attached by ClinVar (database versions not stated): 1000 Genomes Project 30x 0.00250; 1000 Genomes Project 0.00260; gnomAD 0.00280 and 0.00334; ESP Exome Variant Server 0.00300; gnomAD exomes 0.00311; ExAC 0.00336; TOPMed 0.00343.
gnomAD v4.1: 6,065 of 1,614,194 alleles (0.38%); highest among the groups gnomAD compares: Non-Finnish European, 0.42%; 19 homozygotes.

Submissions (17):

CeGaT Center for Human Genetics Tuebingen
Classification: Likely benign. Last evaluated: 2026-09-01. Review status: criteria provided, single submitter. Criteria: CeGaT Center For Human Genetics Tuebingen Variant Classification Criteria Version 2. Collection method: clinical testing. Allele origin: germline. Affected: yes. Observed: 34 variant alleles.
Comment: RYR1: BP4, BP7, BS2

Labcorp Genetics (formerly Invitae), Labcorp
Classification: Benign for RYR1-related disorder. Last evaluated: 2026-02-02. Review status: criteria provided, single submitter. Criteria: Invitae Variant Classification Sherloc (09022015). Collection method: clinical testing. Allele origin: germline.

Blueprint Genetics
Classification: Likely benign. Last evaluated: 2024-11-25. Review status: criteria provided, single submitter. Criteria: ACMG Guidelines, 2015. Collection method: clinical testing. Allele origin: germline.

All of Us Research Program, National Institutes of Health
Classification: Benign for Malignant hyperthermia, susceptibility to, 1. Last evaluated: 2024-02-05. Review status: criteria provided, single submitter. Criteria: ACMG Guidelines, 2015. Collection method: clinical testing. Allele origin: germline. Inheritance: Autosomal dominant inheritance. Observed: 709 variant alleles, 709 heterozygotes.
Comment: This study involves interpretation of variants in research participants for the purpose of population health screening. Participant phenotype was not available at the time of variant classification. Additional details can be found in publication PMID: 35346344, PMCID: PMC8962531

ARUP Laboratories, Molecular Genetics and Genomics, ARUP Laboratories
Classification: Likely benign. Last evaluated: 2023-09-22. Review status: criteria provided, single submitter. Criteria: ARUP Molecular Germline Variant Investigation Process 2024. Collection method: clinical testing. Allele origin: germline.

Color Diagnostics, LLC DBA Color Health
Classification: Benign for Malignant hyperthermia, susceptibility to, 1. Last evaluated: 2022-09-16. Review status: criteria provided, single submitter. Criteria: ACMG Guidelines, 2015. Collection method: clinical testing. Allele origin: germline.

Athena Diagnostics
Classification: Likely benign. Last evaluated: 2020-08-13. Review status: criteria provided, single submitter. Criteria: Athena Diagnostics Criteria. Collection method: clinical testing. Allele origin: unknown.

Illumina Laboratory Services, Illumina
Classification: Likely benign for Congenital multicore myopathy with external ophthalmoplegia. Last evaluated: 2018-01-13. Review status: criteria provided, single submitter. Criteria: ICSL Variant Classification Criteria 13 December 2019. Collection method: clinical testing. Allele origin: germline.
Comment: This variant was observed in the ICSL laboratory as part of a predisposition screen in an ostensibly healthy population. It had not been previously curated by ICSL or reported in the Human Gene Mutation Database (HGMD: prior to June 1st, 2018), and was therefore a candidate for classification through an automated scoring system. Utilizing variant allele frequency, disease prevalence and penetrance estimates, and inheritance mode, an automated score was calculated to assess if this variant is too frequent to cause the disease. Based on the score and internal cut-off values, a variant classified as likely benign is not then subjected to further curation. The score for this variant resulted in a classification of likely benign for this disease.

Illumina Laboratory Services, Illumina
Classification: Likely benign for Malignant hyperthermia, susceptibility to, 1. Last evaluated: 2018-01-13. Review status: criteria provided, single submitter. Criteria: ICSL Variant Classification Criteria 13 December 2019. Collection method: clinical testing. Allele origin: germline.
Comment: the same text as in the submission from Illumina Laboratory Services, Illumina above.

GeneDx
Classification: Likely benign. Last evaluated: 2018-01-03. Review status: criteria provided, single submitter. Criteria: GeneDx Variant Classification (06012015). Collection method: clinical testing. Allele origin: germline. Affected: yes.
Comment: This variant is considered likely benign or benign based on one or more of the following criteria: it is a conservative change, it occurs at a poorly conserved position in the protein, it is predicted to be benign by multiple in silico algorithms, and/or has population frequency not consistent with disease.

Genetic Services Laboratory, University of Chicago
Classification: Uncertain significance. Last evaluated: 2015-07-17. Review status: criteria provided, single submitter. Criteria: ACMG Guidelines, 2015. Collection method: clinical testing. Allele origin: germline.

Eurofins Ntd Llc (ga)
Classification: Likely benign. Last evaluated: 2015-05-19. Review status: criteria provided, single submitter. Criteria: EGL Classification Definitions 2015. Collection method: clinical testing. Allele origin: germline. Observed: 2 variant alleles, 2 heterozygotes.

PreventionGenetics, part of Exact Sciences
Classification: Likely benign. Review status: criteria provided, single submitter. Criteria: ACMG Guidelines, 2015. Collection method: clinical testing. Allele origin: germline.

Clinical Genetics DNA and cytogenetics Diagnostics Lab, Erasmus MC, Erasmus Medical Center
Classification: Likely benign. Review status: no assertion criteria provided. Collection method: clinical testing. Allele origin: germline. Affected: yes. Study: VKGL Data-share Consensus. Not counted in ClinVar's aggregate classification.

Genome Diagnostics Laboratory, University Medical Center Utrecht
Classification: Benign. Review status: no assertion criteria provided. Collection method: clinical testing. Allele origin: germline. Affected: yes. Study: VKGL Data-share Consensus. Not counted in ClinVar's aggregate classification.

Joint Genome Diagnostic Labs from Nijmegen and Maastricht, Radboudumc and MUMC+
Classification: Benign. Review status: no assertion criteria provided. Collection method: clinical testing. Allele origin: germline. Affected: yes. Study: VKGL Data-share Consensus. Not counted in ClinVar's aggregate classification.

Laboratory of Diagnostic Genome Analysis, Leiden University Medical Center (LUMC)
Classification: Likely benign. Review status: no assertion criteria provided. Collection method: clinical testing. Allele origin: germline. Affected: yes. Study: VKGL Data-share Consensus. Not counted in ClinVar's aggregate classification.

Literature cited by the submitters: PubMed 30325262 (cited by Athena Diagnostics); PubMed 21674524 (cited by Athena Diagnostics); PubMed 31559918 (cited by Athena Diagnostics).

NM_000540.3(RYR1):c.14505G>A (p.Gly4835=)

Gene: RYR1 (ryanodine receptor 1; plus strand). Cytogenetic location: 19q13.2.
Variant type: single nucleotide variant.
Coding change: c.14505G>A on transcript NM_000540.3 (MANE Select); coding-DNA position 14505, G replaced by A.
Protein change: p.Gly4835=; no amino-acid change (glycine 4835 retained).
Molecular consequence: synonymous variant.
Genome position (GRCh38, 1-based): chr19:38,580,122, G>A. VCF-style: chr19-38580122-G-A. GRCh37 (hg19) VCF-style: chr19-39070762-G-A.
Other names: c.14490G>A, p.Gly4830= (NM_001042723.2).
Identifiers: ClinVar variation 93255 (VCV000093255.79), dbSNP rs118126378, ClinGen allele CA024159.